The following is an entry in ClinVar:

NM_006379.5(SEMA3C):c.1820A>C (p.Lys607Thr)

Gene: SEMA3C (semaphorin 3C; minus strand). Cytogenetic location: 7q21.11.
Variant type: single nucleotide variant.
Coding change: c.1820A>C on transcript NM_006379.5 (MANE Select); coding-DNA position 1820, A replaced by C.
Protein change: p.Lys607Thr; replaces lysine 607 with threonine.
Molecular consequence: missense variant.
Genome position (GRCh38, 1-based): chr7:80,748,920, T>G on the plus strand (A>C on the coding strand, the complement: SEMA3C is on the minus strand). VCF-style: chr7-80748920-T-G. GRCh37 (hg19) VCF-style: chr7-80378236-T-G.
Other names: c.1874A>C, p.Lys625Thr (NM_001350120.2); c.1646A>C, p.Lys549Thr (NM_001350121.2); short protein forms K549T, K607T, K625T.
Identifiers: ClinVar variation 4978405 (VCV004978405.1).

ClinVar aggregate classification (germline): Uncertain significance (1 of 4 stars; one submission).

Conditions:
SEMA3C-related disorder. Also called: SEMA3C-related condition.

gnomAD v4.1: 4 of 1,612,468 alleles (0.00025%); highest among the groups gnomAD compares: Non-Finnish European, 0.00034%; no homozygotes.

Submission:

PreventionGenetics, part of Exact Sciences
Classification: Uncertain significance for SEMA3C-related condition. Last evaluated: 2024-12-23. Review status: criteria provided, single submitter. Criteria: ACMG Guidelines, 2015. Collection method: clinical testing. Allele origin: germline.
Comment: The SEMA3C c.1874A>C variant is predicted to result in the amino acid substitution p.Lys625Thr. To our knowledge, this variant has not been reported in the literature. This variant is reported in 0.0018% of alleles in individuals of European (Non-Finnish) descent in gnomAD. At this time, the clinical significance of this variant is uncertain due to the absence of conclusive functional and genetic evidence.